The following is an entry in ClinVar:

ClinVar aggregate classification (germline): Likely benign. Review status: criteria provided, multiple submitters, no conflicts (2 of 4 stars). 3 submissions from 3 submitters: Likely benign (2). 1 of the submissions does not count toward it. Last evaluated 2026-06-01.

Conditions:
Congenital adrenal hyperplasia due to cytochrome P450 oxidoreductase deficiency. Also called: DISORDERED STEROIDOGENESIS DUE TO POR DEFICIENCY. Identifiers: Orphanet 95699, MedGen C1860042, MONDO:0013310, OMIM 613571.
POR-related disorder. Also called: POR-related condition.

Allele frequency attached by ClinVar (database versions not stated): gnomAD exomes 0.00002; ExAC 0.00003; gnomAD 0.00004; TOPMed 0.00005.
gnomAD v4.1: 36 of 1,611,578 alleles (0.0022%); highest among the groups gnomAD compares: Admixed American, 0.01%; no homozygotes.

Submissions (3):

CeGaT Center for Human Genetics Tuebingen
Classification: Likely benign. Last evaluated: 2026-06-01. Review status: criteria provided, single submitter. Criteria: CeGaT Center For Human Genetics Tuebingen Variant Classification Criteria Version 2. Collection method: clinical testing. Allele origin: germline. Affected: yes. Observed: 1 variant allele.
Comment: POR: BP4, BP7

Labcorp Genetics (formerly Invitae), Labcorp
Classification: Likely benign for Congenital adrenal hyperplasia due to cytochrome P450 oxidoreductase deficiency. Last evaluated: 2025-09-24. Review status: criteria provided, single submitter. Criteria: Invitae Variant Classification Sherloc (09022015). Collection method: clinical testing. Allele origin: germline.

PreventionGenetics, part of Exact Sciences
Classification: Likely benign for POR-related condition. Last evaluated: 2019-03-18. Review status: no assertion criteria provided. Collection method: clinical testing. Allele origin: germline. Not counted in ClinVar's aggregate classification.
Comment: This variant is classified as likely benign based on ACMG/AMP sequence variant interpretation guidelines (Richards et al. 2015 PMID: 25741868, with internal and published modifications).

NM_001395413.1(POR):c.1020C>T (p.Ala340=)

Genes: POR (cytochrome p450 oxidoreductase; plus strand), LOC126860075 (CDK7 strongly-dependent group 2 enhancer GRCh37_chr7:75612087-75613286; plus strand). Cytogenetic location: 7q11.23.
Variant type: single nucleotide variant.
Coding change: c.1020C>T on transcript NM_001395413.1 (MANE Select); coding-DNA position 1020, C replaced by T.
Protein change: p.Ala340=; no amino-acid change (alanine 340 retained).
Molecular consequence: synonymous variant.
Genome position (GRCh38, 1-based): chr7:75,983,819, C>T. VCF-style: chr7-75983819-C-T. GRCh37 (hg19) VCF-style: chr7-75613137-C-T.
Other names: c.1029C>T (NM_000941.2); c.1020C>T, p.Ala340= (NM_001367562.3, NM_001382657.2, NM_001382658.3 and 2 more transcripts); c.1074C>T, p.Ala358= (NM_001382655.3).
Identifiers: ClinVar variation 1591218 (VCV001591218.12), dbSNP rs72557942, ClinGen allele CA4303946.
Genomic context (GRCh38, chr7:75,983,819, plus strand): 5'-GGCTGTGTACCCAGCCAACGACTCTGCTCTCGTCAACCAGCTGGGCAAAATCCTGGGTGC[C>T]GACCTGGACGTCGTCATGTCCCTGAACAACCTGGATGGTGAGTGCCACAGTCAGGGCGCC-3'
Protein context (NP_001382342.1, residues 330-350): LVNQLGKILG[Ala340=]DLDVVMSLNN